The following is an entry in ClinVar:

NM_020937.4(FANCM):c.580A>G (p.Met194Val)

Gene: FANCM (FA complementation group M; plus strand). Cytogenetic location: 14q21.2.
Variant type: single nucleotide variant.
Coding change: c.580A>G on transcript NM_020937.4 (MANE Select); coding-DNA position 580, A replaced by G.
Protein change: p.Met194Val; replaces methionine 194 with valine.
Molecular consequence: missense variant.
Genome position (GRCh38, 1-based): chr14:45,137,140, A>G. VCF-style: chr14-45137140-A-G. GRCh37 (hg19) VCF-style: chr14-45606343-A-G.
Other names: c.580A>G, p.Met194Val (NM_001308133.2, NM_001308134.2); short protein forms M194V.
Identifiers: ClinVar variation 3848683 (VCV003848683.1).

ClinVar aggregate classification (germline): Uncertain significance (1 of 4 stars; one submission).

Conditions:
Inborn genetic diseases. Identifiers: MedGen C0950123, MeSH D030342.

Submission:

Ambry Genetics
Classification: Uncertain significance for Inborn genetic diseases. Last evaluated: 2025-02-02. Review status: criteria provided, single submitter. Criteria: Ambry Variant Classification Scheme 2023. Collection method: clinical testing. Allele origin: germline.
Comment: The p.M194V variant (also known as c.580A>G), located in coding exon 2 of the FANCM gene, results from an A to G substitution at nucleotide position 580. The methionine at codon 194 is replaced by valine, an amino acid with highly similar properties. This amino acid position is conserved. In addition, this alteration is predicted to be tolerated by in silico analysis. Based on the available evidence, the clinical significance of this variant remains unclear.